The following continues an entry in ClinVar:

NM_000540.3(RYR1):c.641C>T (p.Thr214Met)

Gene: RYR1. ClinVar aggregate classification (germline): Uncertain significance. Uncertain significance (1).

Submissions 7 to 13 of 13:

Color Diagnostics, LLC DBA Color Health
Classification: Uncertain significance for Malignant hyperthermia, susceptibility to, 1. Last evaluated: 2024-03-07. Review status: criteria provided, single submitter. Criteria: ACMG Guidelines, 2015. Collection method: clinical testing. Allele origin: germline. Not counted in ClinVar's aggregate classification.
Comment: This missense variant replaces threonine with methionine at codon 214 of the RYR1 protein. Computational prediction is inconclusive regarding the impact of this variant on protein structure and function. A functional study in HEK293 cells showed that this variant does not increase sensitivity to RYR1-agonists compared to wild-type RYR1 (PMID: 27857962). This variant has been reported in individuals/families affected with malignant hyperthermia susceptibility (PMID:25658027, 27857962, 30236257, 36208971). One of these individuals also carried a pathogenic variant in the RYR1 gene, which may explain the observed phenotype (PMID: 27857962, 36208971). This variant has been identified in 27/282810 chromosomes in the general population by the Genome Aggregation Database (gnomAD). The available evidence is insufficient to determine the role of this variant in disease conclusively. Therefore, this variant is classified as a Variant of Uncertain Significance.

Revvity Omics, Revvity
Classification: Uncertain significance. Last evaluated: 2022-02-07. Review status: criteria provided, single submitter. Criteria: ACMG Guidelines, 2015. Collection method: clinical testing. Allele origin: germline. Not counted in ClinVar's aggregate classification.

Fulgent Genetics
Classification: Uncertain significance for Central core myopathy; Malignant hyperthermia, susceptibility to, 1; Congenital myopathy 4A, autosomal dominant; Congenital multicore myopathy with external ophthalmoplegia; King Denborough syndrome. Last evaluated: 2021-10-20. Review status: criteria provided, single submitter. Criteria: ACMG Guidelines, 2015. Collection method: clinical testing. Allele origin: unknown. Not counted in ClinVar's aggregate classification.

Eurofins Ntd Llc (ga)
Classification: Uncertain significance. Last evaluated: 2014-01-13. Review status: criteria provided, single submitter. Criteria: EGL Classification Definitions 2015. Collection method: clinical testing. Allele origin: germline. Observed: 1 variant allele, 1 homozygote. Not counted in ClinVar's aggregate classification.

PreventionGenetics, part of Exact Sciences
Classification: Uncertain significance. Last evaluated: 2013-10-28. Review status: criteria provided, single submitter. Criteria: ACMG Guidelines, 2015. Collection method: clinical testing. Allele origin: germline. Not counted in ClinVar's aggregate classification.

Genome Diagnostics Laboratory, University Medical Center Utrecht
Classification: Uncertain significance. Review status: no assertion criteria provided. Collection method: clinical testing. Allele origin: germline. Affected: yes. Study: VKGL Data-share Consensus. Not counted in ClinVar's aggregate classification.

Laboratory of Diagnostic Genome Analysis, Leiden University Medical Center (LUMC)
Classification: Uncertain significance. Review status: no assertion criteria provided. Collection method: clinical testing. Allele origin: germline. Affected: yes. Study: VKGL Data-share Consensus. Not counted in ClinVar's aggregate classification.

Literature cited by the submitters: PubMed 33333461 (cited by Women's Health and Genetics/Laboratory Corporation of America, LabCorp); PubMed 30236257 (cited by 3 submitters); PubMed 25658027 (cited by 3 submitters); PubMed 27857962 (cited by 3 submitters); PubMed 36208971 (cited by All of Us Research Program, National Institutes of Health and Color Diagnostics, LLC DBA Color Health).